The following is an entry in ClinVar:

ClinVar aggregate classification (germline): Uncertain significance. Review status: criteria provided, multiple submitters, no conflicts (2 of 4 stars). 4 submissions from 4 submitters: Uncertain significance (3). 1 of the submissions does not count toward it. Last evaluated 2022-08-25.

Conditions:
Gastrointestinal defects and immunodeficiency syndrome 1 (GIDID1). Also called: Combined immunodeficiency-enteropathy spectrum. Identifiers: Orphanet 436252, MedGen C5968858, MONDO:0800030, OMIM 243150.
Multiple gastrointestinal atresias. Also called: FAMILIAL INTESTINAL POLYATRESIA SYNDROME; Multiple intestinal atresia. Identifiers: Orphanet 2300, MedGen C0220744, MONDO:0009465.

Allele frequency attached by ClinVar (database versions not stated): ExAC 0.00001; gnomAD 0.00001; gnomAD exomes 0.00001 and 0.00002; TOPMed 0.00001.
gnomAD v4.1: 29 of 1,608,106 alleles (0.0018%); highest among the groups gnomAD compares: East Asian, 0.0023%; no homozygotes.

Submissions (4):

Labcorp Genetics (formerly Invitae), Labcorp
Classification: Uncertain significance for Multiple gastrointestinal atresias. Last evaluated: 2022-08-25. Review status: criteria provided, single submitter. Criteria: Invitae Variant Classification Sherloc (09022015). Collection method: clinical testing. Allele origin: germline.
Comment: ClinVar contains an entry for this variant (Variation ID: 440890). In summary, the available evidence is currently insufficient to determine the role of this variant in disease. Therefore, it has been classified as a Variant of Uncertain Significance. Algorithms developed to predict the effect of missense changes on protein structure and function are either unavailable or do not agree on the potential impact of this missense change (SIFT: "Deleterious"; PolyPhen-2: "Benign"; Align-GVGD: "Class C0"). This missense change has been observed in individual(s) with multiple intestinal atresia, inflammatory bowel disease, and primary immune defects (PMID: 24292712, 29174094). This variant is present in population databases (rs776906926, gnomAD 0.005%). This sequence change replaces serine, which is neutral and polar, with leucine, which is neutral and non-polar, at codon 539 of the TTC7A protein (p.Ser539Leu).

Fulgent Genetics
Classification: Uncertain significance for Gastrointestinal defects and immunodeficiency syndrome 1. Last evaluated: 2022-04-07. Review status: criteria provided, single submitter. Criteria: ACMG Guidelines, 2015. Collection method: clinical testing. Allele origin: unknown.

Mayo Clinic Laboratories, Mayo Clinic
Classification: Uncertain significance. Last evaluated: 2020-07-09. Review status: criteria provided, single submitter. Criteria: ACMG Guidelines, 2015. Collection method: clinical testing. Allele origin: germline. Observed: 1 variant allele.

OMIM
Classification: Pathogenic for GASTROINTESTINAL DEFECTS AND IMMUNODEFICIENCY SYNDROME 1. Last evaluated: 2022-01-24. Review status: no assertion criteria provided. Collection method: literature only. Allele origin: germline. Not counted in ClinVar's aggregate classification.

Literature cited by the submitters: PubMed 24292712 (cited by Labcorp Genetics (formerly Invitae), Labcorp); PubMed 29174094 (cited by Labcorp Genetics (formerly Invitae), Labcorp and OMIM).

NM_020458.4(TTC7A):c.1616C>T (p.Ser539Leu)

Gene: TTC7A (tetratricopeptide repeat domain 7A; plus strand). Cytogenetic location: 2p21.
Variant type: single nucleotide variant.
Coding change: c.1616C>T on transcript NM_020458.4 (MANE Select); coding-DNA position 1616, C replaced by T.
Protein change: p.Ser539Leu; replaces serine 539 with leucine.
Molecular consequence: missense variant.
Genome position (GRCh38, 1-based): chr2:47,024,334, C>T. VCF-style: chr2-47024334-C-T. GRCh37 (hg19) VCF-style: chr2-47251473-C-T.
Other names: c.1616C>T, p.Ser539Leu (NM_001288951.2, LRG_1323t1); c.1514C>T, p.Ser505Leu (NM_001288953.2); c.554C>T, p.Ser185Leu (NM_001288955.2); short protein forms S505L, S539L, S185L.
Identifiers: ClinVar variation 440890 (VCV000440890.15), dbSNP rs776906926, ClinGen allele CA1647767.
Genomic context (GRCh38, chr2:47,024,334, plus strand): 5'-TCTCCCCACACAGGGCTCAGCAGCTGGCGCCCAGTGACCCCCAGGTCATCCTCTATGTCT[C>T]GCTGCAGCTGGCCCTCGTCCGACAGGTGGGTTGTCCGTGTTCCTAACCCCCGGGTCCTCG-3'
Protein context (NP_065191.2, residues 529-549): PSDPQVILYV[Ser539Leu]LQLALVRQIS